The following is an entry in ClinVar:

NM_000463.3(UGT1A1):c.1328T>C (p.Leu443Pro)

Genes: UGT1A10 (UDP glucuronosyltransferase family 1 member A10; plus strand), UGT1A8 (UDP glucuronosyltransferase family 1 member A8; plus strand), UGT1A (UDP glucuronosyltransferase family 1 member A complex locus; plus strand), UGT1A4 (UDP glucuronosyltransferase family 1 member A4; plus strand), UGT1A9 (UDP glucuronosyltransferase family 1 member A9; plus strand) and 5 more. Cytogenetic location: 2q37.1.
Variant type: single nucleotide variant.
Coding change: c.1328T>C on transcript NM_000463.3 (MANE Select); coding-DNA position 1328, T replaced by C.
Protein change: p.Leu443Pro; replaces leucine 443 with proline.
Molecular consequence: missense variant.
Genome position (GRCh38, 1-based): chr2:233,772,285, T>C. VCF-style: chr2-233772285-T-C. GRCh37 (hg19) VCF-style: chr2-234680931-T-C.
Other names: c.1319T>C, p.Leu440Pro (NM_019075.4, NM_019076.5, NM_019077.3 and 1 more transcripts); c.1325T>C, p.Leu442Pro (NM_001072.4); c.524T>C, p.Leu175Pro (NM_205862.3); c.1331T>C, p.Leu444Pro (NM_019078.2, NM_007120.3, NM_019093.4); short protein forms L175P, L440P, L442P, L443P, L444P.
Identifiers: ClinVar variation 4689598 (VCV004689598.1).

ClinVar aggregate classification (germline): Likely pathogenic (1 of 4 stars; one submission).

Conditions:
Crigler-Najjar syndrome. Identifiers: Orphanet 205, MedGen C5551003, MONDO:0009044.

gnomAD v4.1: 5 of 1,614,220 alleles (0.00031%); highest among the groups gnomAD compares: Non-Finnish European, 0.00034%; no homozygotes.

Submission:

Women's Health and Genetics/Laboratory Corporation of America, LabCorp
Classification: Likely pathogenic for Crigler-Najjar syndrome. Last evaluated: 2026-01-06. Review status: criteria provided, single submitter. Criteria: LabCorp Variant Classification Summary - May 2015. Collection method: clinical testing. Allele origin: germline.
Comment: Variant summary: UGT1A1 c.1328T>C (p.Leu443Pro) results in a non-conservative amino acid change in the encoded protein sequence. Algorithms developed to predict the effect of missense changes on protein structure and function all suggest that this variant is likely to be disruptive. The variant allele was found at a frequency of 4e-06 in 249518 control chromosomes. c.1328T>C has been observed in at-least one individual affected with neonatal hyperbilirubinemia (example, Dapolito_2007). These data indicate that the variant may be associated with disease. At least one publication reports experimental evidence evaluating an impact on protein function. The most pronounced variant effect results in diminished bilirubin glucuronidating activity in SF-9 cells (Sneitz_2010). The following publications have been ascertained in the context of this evaluation (PMID: 17229650, 19830808). No submitters have cited clinical-significance assessments for this variant to ClinVar. Based on the evidence outlined above, the variant was classified as likely pathogenic.

Literature cited by the submitters: PubMed 17229650; PubMed 19830808.